The following is an entry in ClinVar:

NM_054027.6(ANKH):c.1425_1451del (p.Met475_Asp483del)

Genes: ANKH (ANKH inorganic pyrophosphate transport regulator; minus strand), OTULIN (OTU deubiquitinase with linear linkage specificity; plus strand). Cytogenetic location: 5p15.2.
Variant type: Deletion.
Coding change: c.1425_1451del on transcript NM_054027.6 (MANE Select); coding-DNA positions 1425 to 1451, 27 bases deleted (GCCTCCGACAGAGGAGGTGACAGACAT).
Protein change: p.Met475_Asp483del.
Molecular consequence: inframe deletion.
Genome position (GRCh38, 1-based): chr5:14,711,225-14,711,251, ATGTCTGTCACCTCCTCTGTCGGAGGC deleted on the plus strand (GCCTCCGACAGAGGAGGTGACAGACAT on the coding strand, the reverse complement: ANKH is on the minus strand); deleting any 27 consecutive bases within chr5:14,711,225-14,711,261 gives the same sequence; the c. name uses the placement nearest the transcript's 3' end. VCF-style (leftmost placement, unchanged base first): chr5-14711224-GATGTCTGTCACCTCCTCTGTCGGAGGC-G. GRCh37 (hg19) VCF-style: chr5-14711333-GATGTCTGTCACCTCCTCTGTCGGAGGC-G.
Identifiers: ClinVar variation 1900080 (VCV001900080.5), dbSNP rs772788300, ClinGen allele CA3208774.
Genomic context (GRCh38, chr5:14,711,224, plus strand): 5'-ACTGTCCCTGCAGTGCCCATGGCGTCCCGTGCCTTATTCATTCTCCTCTCTCATTTCCAC[GATGTCTGTCACCTCCTCTGTCGGAGGC>G]ATGTCTGTCATGGCAGAGTCTTCCCCCTCCGTGGCCGACTCATTCTCCATCTTCTTTTTC-3'

ClinVar aggregate classification (germline): Uncertain significance (1 of 4 stars; one submission).

Submission:

Labcorp Genetics (formerly Invitae), Labcorp
Classification: Uncertain significance. Last evaluated: 2022-09-16. Review status: criteria provided, single submitter. Criteria: Invitae Variant Classification Sherloc (09022015). Collection method: clinical testing. Allele origin: germline.
Comment: In summary, the available evidence is currently insufficient to determine the role of this variant in disease. Therefore, it has been classified as a Variant of Uncertain Significance. Experimental studies and prediction algorithms are not available or were not evaluated, and the functional significance of this variant is currently unknown. This variant has not been reported in the literature in individuals affected with ANKH-related conditions. This variant is present in population databases (rs772788300, gnomAD 0.01%). This variant, c.1425_1451del, results in the deletion of 9 amino acid(s) of the ANKH protein (p.Met475_Asp483del), but otherwise preserves the integrity of the reading frame.